The following is an entry in ClinVar:

ClinVar aggregate classification (germline): Uncertain significance (1 of 4 stars; one submission).

Conditions:
Immunodeficiency, common variable, 4. Also called: ANTIBODY DEFICIENCY DUE TO BAFFR DEFECT. Identifiers: Orphanet 1572, Orphanet 696925, MedGen C3150739, MONDO:0013284, OMIM 613494.

Allele frequency attached by ClinVar (database versions not stated): gnomAD 0.00001; TOPMed below 0.00001.

Submission:

Labcorp Genetics (formerly Invitae), Labcorp
Classification: Uncertain significance for Immunodeficiency, common variable, 4. Last evaluated: 2023-03-22. Review status: criteria provided, single submitter. Criteria: Invitae Variant Classification Sherloc (09022015). Collection method: clinical testing. Allele origin: germline.
Comment: This variant has not been reported in the literature in individuals affected with TNFRSF13C-related conditions. An algorithm developed to predict the effect of missense changes on protein structure and function (PolyPhen-2) suggests that this variant is likely to be tolerated. In summary, the available evidence is currently insufficient to determine the role of this variant in disease. Therefore, it has been classified as a Variant of Uncertain Significance. This variant is not present in population databases (gnomAD no frequency). This sequence change replaces serine, which is neutral and polar, with asparagine, which is neutral and polar, at codon 50 of the TNFRSF13C protein (p.Ser50Asn).

NM_052945.4(TNFRSF13C):c.149G>A (p.Ser50Asn)

Genes: TNFRSF13C (TNF receptor superfamily member 13C; minus strand), LOC130067574 (ATAC-STARR-seq lymphoblastoid silent region 13813; plus strand). Cytogenetic location: 22q13.2.
Variant type: single nucleotide variant.
Coding change: c.149G>A on transcript NM_052945.4 (MANE Select); coding-DNA position 149, G replaced by A.
Protein change: p.Ser50Asn; replaces serine 50 with asparagine.
Molecular consequence: missense variant.
Genome position (GRCh38, 1-based): chr22:41,926,319, C>T on the plus strand (G>A on the coding strand, the complement: TNFRSF13C is on the minus strand). VCF-style: chr22-41926319-C-T. GRCh37 (hg19) VCF-style: chr22-42322323-C-T.
Other names: short protein forms S50N.
Identifiers: ClinVar variation 3001081 (VCV003001081.3), dbSNP rs997496855, ClinGen allele CA324633637.